The following is an entry in ClinVar:

NM_000390.4(CHM):c.1399_1400del (p.Asp467fs)

Gene: CHM (CHM Rab escort protein; minus strand). Cytogenetic location: Xq21.2.
Variant type: Deletion.
Coding change: c.1399_1400del on transcript NM_000390.4 (MANE Select); coding-DNA positions 1399 to 1400, 2 bases deleted (GA; older notation c.1399_1400delGA).
Protein change: p.Asp467fs; shifts the reading frame from aspartic acid 467.
Molecular consequence: frameshift variant.
Genome position (GRCh38, 1-based): chrX:85,900,659-85,900,660, TC deleted on the plus strand (GA on the coding strand, the reverse complement: CHM is on the minus strand); deleting any 2 consecutive bases within chrX:85,900,659-85,900,661 gives the same sequence; the c. name uses the placement nearest the transcript's 3' end. VCF-style (leftmost placement, unchanged base first): chrX-85900658-ATC-A. GRCh37 (hg19) VCF-style: chrX-85155663-ATC-A.
Other names: c.955_956del, p.Asp319fs (NM_001320959.1, NM_001362517.1, NM_001362518.2 and 1 more transcripts); short protein forms D467fs, D319fs.
Identifiers: ClinVar variation 3717500 (VCV003717500.2).

ClinVar aggregate classification (germline): Pathogenic (1 of 4 stars; one submission).

Submission:

Labcorp Genetics (formerly Invitae), Labcorp
Classification: Pathogenic. Last evaluated: 2024-09-16. Review status: criteria provided, single submitter. Criteria: Invitae Variant Classification Sherloc (09022015). Collection method: clinical testing. Allele origin: germline.
Comment: This sequence change creates a premature translational stop signal (p.Asp467Phefs*24) in the CHM gene. It is expected to result in an absent or disrupted protein product. Loss-of-function variants in CHM are known to be pathogenic (PMID: 9067750, 23811034). This variant is not present in population databases (gnomAD no frequency). This variant has not been reported in the literature in individuals affected with CHM-related conditions. Algorithms developed to predict the effect of sequence changes on RNA splicing suggest that this variant may disrupt the consensus splice site. For these reasons, this variant has been classified as Pathogenic.

Literature cited by the submitters: PubMed 9067750; PubMed 23811034.